The following is an entry in ClinVar:

NM_006231.4(POLE):c.1793A>G (p.Glu598Gly)

Gene: POLE (DNA polymerase epsilon, catalytic subunit; minus strand). Cytogenetic location: 12q24.33.
Variant type: single nucleotide variant.
Coding change: c.1793A>G on transcript NM_006231.4 (MANE Select); coding-DNA position 1793, A replaced by G.
Protein change: p.Glu598Gly; replaces glutamic acid 598 with glycine.
Molecular consequence: missense variant.
Genome position (GRCh38, 1-based): chr12:132,672,216, T>C on the plus strand (A>G on the coding strand, the complement: POLE is on the minus strand). VCF-style: chr12-132672216-T-C. GRCh37 (hg19) VCF-style: chr12-133248802-T-C.
Other names: short protein forms E598G.
Identifiers: ClinVar variation 3684203 (VCV003684203.2).

ClinVar aggregate classification (germline): Uncertain significance (1 of 4 stars; one submission).

Submission:

Labcorp Genetics (formerly Invitae), Labcorp
Classification: Uncertain significance. Last evaluated: 2024-07-24. Review status: criteria provided, single submitter. Criteria: Invitae Variant Classification Sherloc (09022015). Collection method: clinical testing. Allele origin: germline.
Comment: This sequence change replaces glutamic acid, which is acidic and polar, with glycine, which is neutral and non-polar, at codon 598 of the POLE protein (p.Glu598Gly). This variant is not present in population databases (gnomAD no frequency). This variant has not been reported in the literature in individuals affected with POLE-related conditions. An algorithm developed to predict the effect of missense changes on protein structure and function (PolyPhen-2) suggests that this variant is likely to be disruptive. Algorithms developed to predict the effect of sequence changes on RNA splicing suggest that this variant may disrupt the consensus splice site. In summary, the available evidence is currently insufficient to determine the role of this variant in disease. Therefore, it has been classified as a Variant of Uncertain Significance.